The following is an entry in ClinVar:

ClinVar aggregate classification (germline): Uncertain significance. Review status: criteria provided, multiple submitters, no conflicts (2 of 4 stars). 2 submissions from 2 submitters: Uncertain significance (2). Last evaluated 2024-10-17.

Conditions:
Developmental and epileptic encephalopathy, 23 (DEE23). Also called: Epileptic encephalopathy, early infantile, 23. Identifiers: Orphanet 411986, MedGen C4014492, MONDO:0014371, OMIM 615859.

Allele frequency attached by ClinVar (database versions not stated): gnomAD 0.00001; TOPMed 0.00001.
gnomAD v4.1: 2 of 1,613,406 alleles (0.00012%); highest among the groups gnomAD compares: Non-Finnish European, 0.00017%; no homozygotes.

Submissions (2):

Blueprint Genetics
Classification: Uncertain significance. Last evaluated: 2024-10-17. Review status: criteria provided, single submitter. Criteria: ACMG Guidelines, 2015. Collection method: clinical testing. Allele origin: germline.

Labcorp Genetics (formerly Invitae), Labcorp
Classification: Uncertain significance for Developmental and epileptic encephalopathy, 23. Last evaluated: 2022-07-19. Review status: criteria provided, single submitter. Criteria: Invitae Variant Classification Sherloc (09022015). Collection method: clinical testing. Allele origin: germline.
Comment: This sequence change replaces serine, which is neutral and polar, with phenylalanine, which is neutral and non-polar, at codon 1594 of the DOCK7 protein (p.Ser1594Phe). This variant is not present in population databases (gnomAD no frequency). In summary, the available evidence is currently insufficient to determine the role of this variant in disease. Therefore, it has been classified as a Variant of Uncertain Significance. Algorithms developed to predict the effect of missense changes on protein structure and function (SIFT, PolyPhen-2, Align-GVGD) all suggest that this variant is likely to be disruptive. ClinVar contains an entry for this variant (Variation ID: 1353962). This variant has not been reported in the literature in individuals affected with DOCK7-related conditions.

NM_001367561.1(DOCK7):c.4808C>T (p.Ser1603Phe)

Gene: DOCK7 (dedicator of cytokinesis 7; minus strand). Cytogenetic location: 1p31.3.
Variant type: single nucleotide variant.
Coding change: c.4808C>T on transcript NM_001367561.1 (MANE Select); coding-DNA position 4808, C replaced by T.
Protein change: p.Ser1603Phe; replaces serine 1603 with phenylalanine.
Molecular consequence: missense variant.
Genome position (GRCh38, 1-based): chr1:62,496,454, G>A on the plus strand (C>T on the coding strand, the complement: DOCK7 is on the minus strand). VCF-style: chr1-62496454-G-A. GRCh37 (hg19) VCF-style: chr1-62962125-G-A.
Other names: c.4781C>T, p.Ser1594Phe (NM_001271999.2, NM_001330614.2); c.4688C>T, p.Ser1563Phe (NM_001272000.2, NM_001272001.2); c.4715C>T, p.Ser1572Phe (NM_033407.4); short protein forms S1603F, S1572F, S1594F, S1563F.
Identifiers: ClinVar variation 1353962 (VCV001353962.5), dbSNP rs1159279260, ClinGen allele CA340614749.